The following is an entry in ClinVar:

NM_001408.3(CELSR2):c.6406T>C (p.Trp2136Arg)

Gene: CELSR2 (cadherin EGF LAG seven-pass G-type receptor 2; plus strand). Cytogenetic location: 1p13.3.
Variant type: single nucleotide variant.
Coding change: c.6406T>C on transcript NM_001408.3 (MANE Select); coding-DNA position 6406, T replaced by C.
Protein change: p.Trp2136Arg; replaces tryptophan 2136 with arginine.
Molecular consequence: missense variant.
Genome position (GRCh38, 1-based): chr1:109,268,668, T>C. VCF-style: chr1-109268668-T-C. GRCh37 (hg19) VCF-style: chr1-109811290-T-C.
Other names: c.6406T>C (NM_001408.2); short protein forms W2136R.
Identifiers: ClinVar variation 2978436 (VCV002978436.4), dbSNP rs571975275, ClinGen allele CA987871.

ClinVar aggregate classification (germline): Uncertain significance. Review status: criteria provided, multiple submitters, no conflicts (2 of 4 stars). 2 submissions from 2 submitters: Uncertain significance (2). Last evaluated 2023-11-20.

Allele frequency attached by ClinVar (database versions not stated): TOPMed 0.00002; gnomAD 0.00007; gnomAD exomes 0.00009; 1000 Genomes Project 30x 0.00016; ExAC 0.00018; 1000 Genomes Project 0.00020.
gnomAD v4.1: 131 of 1,614,082 alleles (0.0081%); highest among the groups gnomAD compares: South Asian, 0.12%; 1 homozygote.

Submissions (2):

Ambry Genetics
Classification: Uncertain significance. Last evaluated: 2023-11-20. Review status: criteria provided, single submitter. Criteria: Ambry Variant Classification Scheme 2023. Collection method: clinical testing. Allele origin: germline.

Labcorp Genetics (formerly Invitae), Labcorp
Classification: Uncertain significance. Last evaluated: 2023-01-26. Review status: criteria provided, single submitter. Criteria: Invitae Variant Classification Sherloc (09022015). Collection method: clinical testing. Allele origin: germline.
Comment: In summary, the available evidence is currently insufficient to determine the role of this variant in disease. Therefore, it has been classified as a Variant of Uncertain Significance. Advanced modeling of protein sequence and biophysical properties (such as structural, functional, and spatial information, amino acid conservation, physicochemical variation, residue mobility, and thermodynamic stability) performed at Invitae indicates that this missense variant is not expected to disrupt CELSR2 protein function. This variant has not been reported in the literature in individuals affected with CELSR2-related conditions. This variant is present in population databases (rs571975275, gnomAD 0.2%), and has an allele count higher than expected for a pathogenic variant. This sequence change replaces tryptophan, which is neutral and slightly polar, with arginine, which is basic and polar, at codon 2136 of the CELSR2 protein (p.Trp2136Arg).